The following is an entry in ClinVar:

NM_012431.3(SEMA3E):c.1967C>T (p.Thr656Ile)

Gene: SEMA3E (semaphorin 3E; minus strand). Cytogenetic location: 7q21.11.
Variant type: single nucleotide variant.
Coding change: c.1967C>T on transcript NM_012431.3 (MANE Select); coding-DNA position 1967, C replaced by T.
Protein change: p.Thr656Ile; replaces threonine 656 with isoleucine.
Molecular consequence: missense variant.
Genome position (GRCh38, 1-based): chr7:83,367,947, G>A on the plus strand (C>T on the coding strand, the complement: SEMA3E is on the minus strand). VCF-style: chr7-83367947-G-A. GRCh37 (hg19) VCF-style: chr7-82997263-G-A.
Other names: c.1787C>T, p.Thr596Ile (NM_001178129.2); short protein forms T656I, T596I.
Identifiers: ClinVar variation 2715614 (VCV002715614.3), dbSNP rs2484247268, ClinGen allele CA367914359.

ClinVar aggregate classification (germline): Uncertain significance (1 of 4 stars; one submission).

Conditions:
CHARGE syndrome (CHARGE). Also called: Hittner Hirsch Kreh syndrome; CHARGE ASSOCIATION--COLOBOMA, HEART ANOMALY, CHOANAL ATRESIA, RETARDATION, GENITAL AND EAR ANOMALIES; Coloboma, heart anomaly, choanal atresia, retardation, genital and ear anomalies; CHARGE association; Hall-Hittner syndrome. Identifiers: Orphanet 138, MedGen C0265354, MONDO:0008965.

Submission:

Labcorp Genetics (formerly Invitae), Labcorp
Classification: Uncertain significance for CHARGE syndrome. Last evaluated: 2023-06-05. Review status: criteria provided, single submitter. Criteria: Invitae Variant Classification Sherloc (09022015). Collection method: clinical testing. Allele origin: germline.
Comment: In summary, the available evidence is currently insufficient to determine the role of this variant in disease. Therefore, it has been classified as a Variant of Uncertain Significance. Advanced modeling of protein sequence and biophysical properties (such as structural, functional, and spatial information, amino acid conservation, physicochemical variation, residue mobility, and thermodynamic stability) performed at Invitae indicates that this missense variant is not expected to disrupt SEMA3E protein function. This variant has not been reported in the literature in individuals affected with SEMA3E-related conditions. This variant is not present in population databases (gnomAD no frequency). This sequence change replaces threonine, which is neutral and polar, with isoleucine, which is neutral and non-polar, at codon 656 of the SEMA3E protein (p.Thr656Ile).